The following is an entry in ClinVar:

ClinVar aggregate classification (germline): Likely benign. Review status: criteria provided, multiple submitters, no conflicts (2 of 4 stars). 6 submissions from 6 submitters: Likely benign (6). Last evaluated 2026-07-21.

Conditions:
Tumor predisposition syndrome 3 (TPDS3). Also called: Melanoma, cutaneous malignant, susceptibility to, 10; LONG TELOMERE SYNDROME, POT1-RELATED; POT1 Tumor Predisposition; Glioma susceptibility 9. Identifiers: Orphanet 618, MedGen C4014476, MONDO:0014368, OMIM 615848.
Hereditary cancer-predisposing syndrome. Also called: Hereditary neoplastic syndrome; Hereditary Cancer Syndrome; Neoplastic Syndromes, Hereditary; Tumor predisposition. Identifiers: Orphanet 140162, MedGen C0027672, MeSH D009386, MONDO:0015356.
POT1-related disorder. Also called: POT1-related condition.

Allele frequency attached by ClinVar (database versions not stated): ExAC 0.00002; gnomAD 0.00003; gnomAD exomes 0.00003; TOPMed 0.00005.
gnomAD v4.1: 56 of 1,605,074 alleles (0.0035%); highest among the groups gnomAD compares: Admixed American, 0.0067%; no homozygotes.

Submissions (6):

PreventionGenetics, part of Exact Sciences
Classification: Likely benign for POT1-related condition. Last evaluated: 2026-07-21. Review status: criteria provided, single submitter. Criteria: ACMG Guidelines, 2015. Collection method: clinical testing. Allele origin: germline.
Comment: This variant is classified as likely benign based on ACMG/AMP sequence variant interpretation guidelines (Richards et al. 2015 PMID: 25741868, with internal and published modifications).

Labcorp Genetics (formerly Invitae), Labcorp
Classification: Likely benign for Tumor predisposition syndrome 3. Last evaluated: 2026-01-05. Review status: criteria provided, single submitter. Criteria: Invitae Variant Classification Sherloc (09022015). Collection method: clinical testing. Allele origin: germline.

Quest Diagnostics Nichols Institute San Juan Capistrano
Classification: Likely benign. Last evaluated: 2025-07-31. Review status: criteria provided, single submitter. Criteria: Quest Diagnostics criteria. Collection method: clinical testing. Allele origin: unknown.

Sema4
Classification: Likely benign for Hereditary cancer-predisposing syndrome. Last evaluated: 2020-12-29. Review status: criteria provided, single submitter. Criteria: Sema4 Curation Guidelines. Collection method: curation. Allele origin: germline.

GeneDx
Classification: Likely benign. Last evaluated: 2020-11-24. Review status: criteria provided, single submitter. Criteria: GeneDx Variant Classification Process June 2021. Collection method: clinical testing. Allele origin: germline. Affected: yes.

Ambry Genetics
Classification: Likely benign for Hereditary cancer-predisposing syndrome. Last evaluated: 2018-02-08. Review status: criteria provided, single submitter. Criteria: Ambry Variant Classification Scheme 2023. Collection method: clinical testing. Allele origin: germline.

NM_015450.3(POT1):c.972C>T (p.Tyr324=)

Gene: POT1 (protection of telomeres 1; minus strand). Cytogenetic location: 7q31.33.
Variant type: single nucleotide variant.
Coding change: c.972C>T on transcript NM_015450.3 (MANE Select); coding-DNA position 972, C replaced by T.
Protein change: p.Tyr324=; no amino-acid change (tyrosine 324 retained).
Molecular consequence: synonymous variant. On other transcripts: non-coding transcript variant (3).
Genome position (GRCh38, 1-based): chr7:124,846,976, G>A on the plus strand (C>T on the coding strand, the complement: POT1 is on the minus strand). VCF-style: chr7-124846976-G-A. GRCh37 (hg19) VCF-style: chr7-124487030-G-A.
Other names: c.579C>T, p.Tyr193= (NM_001042594.2).
Identifiers: ClinVar variation 515252 (VCV000515252.21), dbSNP rs758749502, ClinGen allele CA4465272.